The following is an entry in ClinVar:

ClinVar aggregate classification (germline): Uncertain significance (1 of 4 stars; one submission).

Conditions:
Long QT syndrome (LQTS). Identifiers: MedGen C0023976, MeSH D008133, MONDO:0002442. Disease mechanism: loss of function. Inheritance: Various modes of inheritance.

Submission:

Labcorp Genetics (formerly Invitae), Labcorp
Classification: Uncertain significance for Long QT syndrome. Last evaluated: 2022-12-02. Review status: criteria provided, single submitter. Criteria: Invitae Variant Classification Sherloc (09022015). Collection method: clinical testing. Allele origin: germline.
Comment: This sequence change replaces glutamic acid, which is acidic and polar, with glutamine, which is neutral and polar, at codon 147 of the AKAP9 protein (p.Glu147Gln). In summary, the available evidence is currently insufficient to determine the role of this variant in disease. Therefore, it has been classified as a Variant of Uncertain Significance. Algorithms developed to predict the effect of missense changes on protein structure and function are either unavailable or do not agree on the potential impact of this missense change (SIFT: "Deleterious"; PolyPhen-2: "Benign"; Align-GVGD: "Class C0"). ClinVar contains an entry for this variant (Variation ID: 855979). This variant has not been reported in the literature in individuals affected with AKAP9-related conditions. This variant is not present in population databases (gnomAD no frequency).

NM_005751.5(AKAP9):c.439G>C (p.Glu147Gln)

Gene: AKAP9 (A-kinase anchoring protein 9; plus strand). Cytogenetic location: 7q21.2.
Variant type: single nucleotide variant.
Coding change: c.439G>C on transcript NM_005751.5 (MANE Select); coding-DNA position 439, G replaced by C.
Protein change: p.Glu147Gln; replaces glutamic acid 147 with glutamine.
Molecular consequence: missense variant.
Genome position (GRCh38, 1-based): chr7:91,992,918, G>C. VCF-style: chr7-91992918-G-C. GRCh37 (hg19) VCF-style: chr7-91622232-G-C.
Other names: c.439G>C, p.Glu147Gln (NM_147185.3); short protein forms E147Q.
Identifiers: ClinVar variation 855979 (VCV000855979.9), dbSNP rs1797947770, ClinGen allele CA368119400.